The following is an entry in ClinVar:

NM_007078.3(LDB3):c.1084A>G (p.Arg362Gly)

Gene: LDB3 (LIM domain binding 3; plus strand). Cytogenetic location: 10q23.2.
Variant type: single nucleotide variant.
Coding change: c.1084A>G on transcript NM_007078.3 (MANE Select); coding-DNA position 1084, A replaced by G.
Protein change: p.Arg362Gly; replaces arginine 362 with glycine.
Molecular consequence: missense variant. On other transcripts: intron variant (4).
Genome position (GRCh38, 1-based): chr10:86,706,718, A>G. VCF-style: chr10-86706718-A-G. GRCh37 (hg19) VCF-style: chr10-88466475-A-G.
Other names: c.943A>G, p.Arg315Gly (NM_001368066.1); c.897-3187A>G (NM_001368064.1, NM_001368065.1); c.1101-3187A>G (NM_001171610.2); c.756-3187A>G (NM_001080114.2); short protein forms R315G, R362G.
Identifiers: ClinVar variation 4859151 (VCV004859151.1).

ClinVar aggregate classification (germline): Uncertain significance (1 of 4 stars; one submission).

Conditions:
Cardiovascular phenotype. Identifiers: MedGen CN230736.

gnomAD v4.1: 4 of 1,610,872 alleles (0.00025%); highest among the groups gnomAD compares: East Asian, 0.0022%; no homozygotes.

Submission:

Ambry Genetics
Classification: Uncertain significance for Cardiovascular phenotype. Last evaluated: 2026-03-30. Review status: criteria provided, single submitter. Criteria: Ambry Variant Classification Scheme 2023. Collection method: clinical testing. Allele origin: germline.
Comment: The p.R362G variant (also known as c.1084A>G), located in coding exon 7 of the LDB3 gene, results from an A to G substitution at nucleotide position 1084. The arginine at codon 362 is replaced by glycine, an amino acid with dissimilar properties. This amino acid position is conserved. In addition, the in silico prediction for this alteration is inconclusive. Based on the available evidence, the clinical significance of this variant remains unclear.